The following is an entry in ClinVar:

ClinVar aggregate classification (germline): Likely benign (1 of 4 stars; one submission).

Conditions:
TNS2-related disorder. Also called: TNS2-related condition.

gnomAD v4.1: 191 of 1,614,024 alleles (0.012%); highest among the groups gnomAD compares: Non-Finnish European, 0.014%; no homozygotes.

Submission:

PreventionGenetics, part of Exact Sciences
Classification: Likely benign for TNS2-related condition. Last evaluated: 2025-01-21. Review status: criteria provided, single submitter. Criteria: ACMG Guidelines, 2015. Collection method: clinical testing. Allele origin: germline.
Comment: This variant is classified as likely benign based on ACMG/AMP sequence variant interpretation guidelines (Richards et al. 2015 PMID: 25741868, with internal and published modifications).

NM_170754.4(TNS2):c.4110C>T (p.Ala1370=)

Gene: TNS2 (tensin 2; plus strand). Cytogenetic location: 12q13.13.
Variant type: single nucleotide variant.
Coding change: c.4110C>T on transcript NM_170754.4 (MANE Select); coding-DNA position 4110, C replaced by T.
Protein change: p.Ala1370=; no amino-acid change (alanine 1370 retained).
Molecular consequence: synonymous variant.
Genome position (GRCh38, 1-based): chr12:53,063,762, C>T. VCF-style: chr12-53063762-C-T. GRCh37 (hg19) VCF-style: chr12-53457546-C-T.
Other names: c.4110C>T, p.Ala1370= (NM_001416202.1); c.4068C>T, p.Ala1356= (NM_001416203.1); c.4137C>T, p.Ala1379= (NM_001416204.1); c.4041C>T, p.Ala1347= (NM_015319.3); c.3738C>T, p.Ala1246= (NM_198316.2).
Identifiers: ClinVar variation 4987988 (VCV004987988.1).